The following is an entry in ClinVar:

ClinVar aggregate classification (germline): Uncertain significance. Review status: criteria provided, multiple submitters, no conflicts (2 of 4 stars). 3 submissions from 3 submitters: Uncertain significance (3). Last evaluated 2026-01-02.

Conditions:
Fanconi anemia (FA). Also called: Fanconi's anemia. Identifiers: Orphanet 84, MedGen C0015625, MeSH D005199, MONDO:0019391.
Fanconi anemia complementation group F. Also called: FANCF-Related Fanconi Anemia. Identifiers: Orphanet 84, MedGen C3469526, MONDO:0011325, OMIM 603467.

Allele frequency attached by ClinVar (database versions not stated): TOPMed 0.00001; gnomAD 0.00004; ExAC 0.00005; gnomAD exomes 0.00005 and 0.00006; ESP Exome Variant Server 0.00008; 1000 Genomes Project 30x 0.00016; 1000 Genomes Project 0.00020.
gnomAD v4.1: 95 of 1,614,224 alleles (0.0059%); highest among the groups gnomAD compares: South Asian, 0.016%; 1 homozygote.

Submissions (3):

Labcorp Genetics (formerly Invitae), Labcorp
Classification: Uncertain significance for Fanconi anemia. Last evaluated: 2026-01-02. Review status: criteria provided, single submitter. Criteria: Invitae Variant Classification Sherloc (09022015). Collection method: clinical testing. Allele origin: germline.
Comment: This sequence change replaces asparagine, which is neutral and polar, with serine, which is neutral and polar, at codon 149 of the FANCF protein (p.Asn149Ser). This variant is present in population databases (rs377309460, gnomAD 0.04%). This variant has not been reported in the literature in individuals affected with FANCF-related conditions. ClinVar contains an entry for this variant (Variation ID: 408148). Invitae Evidence Modeling of protein sequence and biophysical properties (such as structural, functional, and spatial information, amino acid conservation, physicochemical variation, residue mobility, and thermodynamic stability) indicates that this missense variant is not expected to disrupt FANCF protein function with a negative predictive value of 80%. In summary, the available evidence is currently insufficient to determine the role of this variant in disease. Therefore, it has been classified as a Variant of Uncertain Significance.

Fulgent Genetics
Classification: Uncertain significance for Fanconi anemia complementation group F. Last evaluated: 2022-04-14. Review status: criteria provided, single submitter. Criteria: ACMG Guidelines, 2015. Collection method: clinical testing. Allele origin: unknown.

Sema4
Classification: Uncertain significance for Fanconi anemia. Last evaluated: 2021-09-16. Review status: criteria provided, single submitter. Criteria: Sema4 Curation Guidelines. Collection method: curation. Allele origin: germline.
Comment: The FANCF c.446A>G (p.N149S) variant has not been reported in the literature to our knowledge. It was observed in 6/19944 chromosomes of the East Asian subpopulation in the large and broad cohorts of the Genome Aggregation Database (PMID: 32461654). The variant has been reported in ClinVar (Variation ID 408148). In silico tools suggest the impact of the variant on protein function is benign, though these predictions have not been confirmed by functional studies. The evidence is insufficient to meet ACMG/AMP criteria for classifying the variant as benign or pathogenic. Thus, the clinical significance of this variant is currently uncertain.

NM_022725.4(FANCF):c.446A>G (p.Asn149Ser)

Gene: FANCF (FA complementation group F; minus strand). Cytogenetic location: 11p14.3.
Variant type: single nucleotide variant.
Coding change: c.446A>G on transcript NM_022725.4 (MANE Select); coding-DNA position 446, A replaced by G.
Protein change: p.Asn149Ser; replaces asparagine 149 with serine.
Molecular consequence: missense variant.
Genome position (GRCh38, 1-based): chr11:22,625,365, T>C on the plus strand (A>G on the coding strand, the complement: FANCF is on the minus strand). VCF-style: chr11-22625365-T-C. GRCh37 (hg19) VCF-style: chr11-22646911-T-C.
Other names: short protein forms N149S.
Identifiers: ClinVar variation 408148 (VCV000408148.12), dbSNP rs377309460, ClinGen allele CA5924330.
Genomic context (GRCh38, chr11:22,625,365, plus strand): 5'-AGCTCCGCCTGGGTCTTCATCAGAGAGTCCTCCTGGAGATTTGGGTTCTCTCTATAGCCA[T>C]TGAAGCGCAGCATGTGCACCGCAGACCGCCGGCGGGCAAGGCGGGCCAGGCTCTCTTGGA-3'
Protein context (NP_073562.1, residues 139-159): RRSAVHMLRF[Asn149Ser]GYRENPNLQE